The following is an entry in ClinVar:

NM_001369.3(DNAH5):c.2462_2463insCTGTCTCTTATACACAT (p.Asp822fs)

Genes: DNAH5 (dynein axonemal heavy chain 5; minus strand), DNAH5-AS1 (DNAH5 antisense RNA 1; plus strand). Cytogenetic location: 5p15.2.
Variant type: Insertion.
Coding change: c.2462_2463insCTGTCTCTTATACACAT on transcript NM_001369.3 (MANE Select); coding-DNA positions 2462 to 2463, CTGTCTCTTATACACAT inserted.
Protein change: p.Asp822fs; shifts the reading frame from aspartic acid 822.
Molecular consequence: frameshift variant.
Genome position: GRCh38 VCF-style: chr5-13891090-A-AATGTGTATAAGAGACAG. GRCh37 (hg19) VCF-style: chr5-13891199-A-AATGTGTATAAGAGACAG.
Other names: short protein forms D822fs.
Identifiers: ClinVar variation 5016384 (VCV005016384.1).

ClinVar aggregate classification (germline): Pathogenic (1 of 4 stars; one submission).

Conditions:
Primary ciliary dyskinesia 3. Identifiers: Orphanet 244, MedGen C1837618, MONDO:0012085, OMIM 608644.

Submission:

Myriad Genetics, Inc.
Classification: Pathogenic for Primary ciliary dyskinesia 3. Last evaluated: 2024-05-14. Review status: criteria provided, single submitter. Criteria: Myriad Autosomal Dominant, Autosomal Recessive and X-Linked Classification Criteria (2023). Collection method: clinical testing. Allele origin: unknown.
Comment: NM_001369.2(DNAH5):c.2462_2463ins17(D822Cfs*8) is expected to be pathogenic in the context of primary ciliary dyskinesia, DNAH5-related. This variant is predicted to lead to an abnormal or absent protein product due to the creation of a premature termination codon in DNAH5, a gene where loss-of-function variants are known to be pathogenic. Please note: this variant was assessed in the context of healthy population screening.